The following is an entry in ClinVar:

NM_014915.3(ANKRD26):c.5093G>C (p.Arg1698Thr)

Gene: ANKRD26 (ankyrin repeat domain containing 26; minus strand). Cytogenetic location: 10p12.1.
Variant type: single nucleotide variant.
Coding change: c.5093G>C on transcript NM_014915.3 (MANE Select); coding-DNA position 5093, G replaced by C.
Protein change: p.Arg1698Thr; replaces arginine 1698 with threonine.
Molecular consequence: missense variant.
Genome position (GRCh38, 1-based): chr10:27,005,630, C>G on the plus strand (G>C on the coding strand, the complement: ANKRD26 is on the minus strand). VCF-style: chr10-27005630-C-G. GRCh37 (hg19) VCF-style: chr10-27294559-C-G.
Other names: c.5090G>C, p.Arg1697Thr (NM_001256053.2); short protein forms R1698T, R1697T.
Identifiers: ClinVar variation 3869514 (VCV003869514.1).

ClinVar aggregate classification (germline): Uncertain significance (1 of 4 stars; one submission).

Conditions:
Inborn genetic diseases. Identifiers: MedGen C0950123, MeSH D030342.

Submission:

Ambry Genetics
Classification: Uncertain significance for Inborn genetic diseases. Last evaluated: 2024-12-20. Review status: criteria provided, single submitter. Criteria: Ambry Variant Classification Scheme 2023. Collection method: clinical testing. Allele origin: germline.
Comment: The p.R1698T variant (also known as c.5093G>C), located in coding exon 34 of the ANKRD26 gene, results from a G to C substitution at nucleotide position 5093. The arginine at codon 1698 is replaced by threonine, an amino acid with similar properties. This amino acid position is conserved. In addition, this alteration is predicted to be tolerated by in silico analysis. Based on the available evidence, the clinical significance of this variant remains unclear.